The following is an entry in ClinVar:

NM_004733.4(SLC33A1):c.671G>T (p.Gly224Val)

Gene: SLC33A1 (solute carrier family 33 member 1; minus strand). Cytogenetic location: 3q25.31.
Variant type: single nucleotide variant.
Coding change: c.671G>T on transcript NM_004733.4 (MANE Select); coding-DNA position 671, G replaced by T.
Protein change: p.Gly224Val; replaces glycine 224 with valine.
Molecular consequence: missense variant.
Genome position (GRCh38, 1-based): chr3:155,853,327, C>A on the plus strand (G>T on the coding strand, the complement: SLC33A1 is on the minus strand). VCF-style: chr3-155853327-C-A. GRCh37 (hg19) VCF-style: chr3-155571116-C-A.
Other names: c.671G>T, p.Gly224Val (NM_001190992.2, NM_001363883.1); short protein forms G224V.
Identifiers: ClinVar variation 2504462 (VCV002504462.1), dbSNP rs2473016280, ClinGen allele CA355143100.

ClinVar aggregate classification (germline): Uncertain significance (1 of 4 stars; one submission).

Submission:

GeneDx
Classification: Uncertain significance. Last evaluated: 2022-12-02. Review status: criteria provided, single submitter. Criteria: GeneDx Variant Classification Process June 2021. Collection method: clinical testing. Allele origin: germline. Affected: yes.
Comment: Not observed at significant frequency in large population cohorts (gnomAD); In silico analysis supports that this missense variant has a deleterious effect on protein structure/function; Has not been previously published as pathogenic or benign to our knowledge